The following is an entry in ClinVar:

ClinVar aggregate classification (germline): Conflicting classifications of pathogenicity. Review status: criteria provided, conflicting classifications (1 of 4 stars). 2 submissions from 2 submitters: Uncertain significance (1); Likely benign (1). Last evaluated 2025-09-07.

Conditions:
Inborn genetic diseases. Identifiers: MedGen C0950123, MeSH D030342.
Cyclical neutropenia. Also called: Cyclic hematopoiesis; Cyclic Neutropenia. Identifiers: Orphanet 2686, MedGen C0221023, MONDO:0008090, OMIM 162800, HP:0040289. Disease mechanism: loss of function.
Neutropenia, severe congenital, 1, autosomal dominant. Identifiers: MedGen C1859966, MONDO:0042490, OMIM 202700.

Allele frequency attached by ClinVar (database versions not stated): gnomAD exomes below 0.00001 and 0.00001; ExAC 0.00001; ESP Exome Variant Server 0.00008; gnomAD 0.00003 and 0.00004; TOPMed 0.00005.
gnomAD v4.1: 8 of 1,594,682 alleles (0.0005%); highest among the groups gnomAD compares: African/African-American, 0.011%; no homozygotes.

Submissions (2):

Labcorp Genetics (formerly Invitae), Labcorp
Classification: Uncertain significance for Neutropenia, severe congenital, 1, autosomal dominant; Cyclical neutropenia. Last evaluated: 2025-09-07. Review status: criteria provided, single submitter. Criteria: Invitae Variant Classification Sherloc (09022015). Collection method: clinical testing. Allele origin: germline.
Comment: This sequence change replaces threonine, which is neutral and polar, with proline, which is neutral and non-polar, at codon 24 of the ELANE protein (p.Thr24Pro). This variant is present in population databases (rs367677280, gnomAD 0.01%). This variant has not been reported in the literature in individuals affected with ELANE-related conditions. ClinVar contains an entry for this variant (Variation ID: 657200). Invitae Evidence Modeling of protein sequence and biophysical properties (such as structural, functional, and spatial information, amino acid conservation, physicochemical variation, residue mobility, and thermodynamic stability) indicates that this missense variant is not expected to disrupt ELANE protein function with a negative predictive value of 95%. In summary, the available evidence is currently insufficient to determine the role of this variant in disease. Therefore, it has been classified as a Variant of Uncertain Significance.

Ambry Genetics
Classification: Likely benign for Inborn genetic diseases. Last evaluated: 2024-12-17. Review status: criteria provided, single submitter. Criteria: Ambry Variant Classification Scheme 2023. Collection method: clinical testing. Allele origin: germline.

NM_001972.4(ELANE):c.70A>C (p.Thr24Pro)

Gene: ELANE (elastase, neutrophil expressed; plus strand). Cytogenetic location: 19p13.3.
Variant type: single nucleotide variant.
Coding change: c.70A>C on transcript NM_001972.4 (MANE Select); coding-DNA position 70, A replaced by C.
Protein change: p.Thr24Pro; replaces threonine 24 with proline.
Molecular consequence: missense variant.
Genome position (GRCh38, 1-based): chr19:852,878, A>C. VCF-style: chr19-852878-A-C. GRCh37 (hg19) VCF-style: chr19-852878-A-C.
Other names: c.70A>C (LRG_57t1); short protein forms T24P.
Identifiers: ClinVar variation 657200 (VCV000657200.12), dbSNP rs367677280, ClinGen allele CA9025927.